The following is an entry in ClinVar:

NM_004612.4(TGFBR1):c.421C>T (p.Leu141Phe)

Gene: TGFBR1 (transforming growth factor beta receptor 1; plus strand). Cytogenetic location: 9q22.33.
Variant type: single nucleotide variant.
Coding change: c.421C>T on transcript NM_004612.4 (MANE Select); coding-DNA position 421, C replaced by T.
Protein change: p.Leu141Phe; replaces leucine 141 with phenylalanine.
Molecular consequence: missense variant. On other transcripts: non-coding transcript variant (4), intron variant (3).
Genome position (GRCh38, 1-based): chr9:99,132,586, C>T. VCF-style: chr9-99132586-C-T. GRCh37 (hg19) VCF-style: chr9-101894868-C-T.
Other names: c.433C>T, p.Leu145Phe (NM_001306210.2, NM_001407416.1); c.421C>T, p.Leu141Phe (NM_001407417.1, NM_001407435.1); c.226C>T, p.Leu76Phe (NM_001407418.1, NM_001407419.1, NM_001407420.1 and 1 more transcripts); c.214C>T, p.Leu72Phe (NM_001407423.1, NM_001407424.1, NM_001407425.1 and 8 more transcripts); c.175C>T, p.Leu59Phe (NM_001407436.1); c.343+3486C>T (NM_001130916.3); c.98-5273C>T (NM_001407438.1); c.98-9950C>T (NM_001407437.1); short protein forms L141F, L145F, L59F, L72F, L76F.
Identifiers: ClinVar variation 3069471 (VCV003069471.1), dbSNP rs749651186, ClinGen allele CA196885557.

ClinVar aggregate classification (germline): Uncertain significance (1 of 4 stars; one submission).

Conditions:
Loeys-Dietz syndrome (LDS). Identifiers: Orphanet 60030, MedGen C2697932, MONDO:0018954.

Allele frequency attached by ClinVar (database versions not stated): gnomAD exomes 0.00001.

Submission:

All of Us Research Program, National Institutes of Health
Classification: Uncertain significance for Loeys-Dietz syndrome. Last evaluated: 2023-03-04. Review status: criteria provided, single submitter. Criteria: ACMG Guidelines, 2015. Collection method: clinical testing. Allele origin: germline. Inheritance: Autosomal dominant inheritance. Observed: 1 variant allele, 1 heterozygote.
Comment: This study involves interpretation of variants in research participants for the purpose of population health screening. Participant phenotype was not available at the time of variant classification. Additional details can be found in publication PMID: 35346344, PMCID: PMC8962531